The following is an entry in ClinVar:

ClinVar aggregate classification (germline): Likely pathogenic. Review status: criteria provided, multiple submitters, no conflicts (2 of 4 stars). 3 submissions from 3 submitters: Likely pathogenic (3). Last evaluated 2026-04-06.

Conditions:
Cardiovascular phenotype. Identifiers: MedGen CN230736.
Autosomal recessive limb-girdle muscular dystrophy type 2J (LGMDR10). Also called: Limb-girdle muscular dystrophy, type 2J; MUSCULAR DYSTROPHY, LIMB-GIRDLE, AUTOSOMAL RECESSIVE 10. Identifiers: Orphanet 140922, MedGen C1837342, MONDO:0012127, OMIM 608807.
Dilated cardiomyopathy 1G (CMD1G). Identifiers: Orphanet 154, MedGen C1858763, MONDO:0011400, OMIM 604145.
Cardiomyopathy (CMYO). Also called: Cardiomyopathies. Identifiers: Orphanet 167848, MedGen C0878544, MONDO:0004994, HP:0001638. Inheritance: Various modes of inheritance.

Submissions (3):

Ambry Genetics
Classification: Likely pathogenic for Cardiovascular phenotype. Last evaluated: 2026-04-06. Review status: criteria provided, single submitter. Criteria: Ambry Variant Classification Scheme 2023. Collection method: clinical testing. Allele origin: germline.
Comment: The c.40711_40714dupATCT variant, located in coding exon 147 of the TTN gene, results from a duplication of ATCT at nucleotide position 40711, causing a translational frameshift with a predicted alternate stop codon (p.S13572Yfs*19). This exon is located in the A-band region of the N2-B isoform of the titin protein and is constitutively expressed in TTN transcripts (percent spliced in or PSI 100%). This variant is considered to be rare based on population cohorts in the Genome Aggregation Database (gnomAD). This variant is expected to result in loss of function by premature protein truncation or nonsense-mediated mRNA decay. While truncating variants in TTN are present in 1-3% of the general population, truncating variants in the A-band are the most common cause of dilated cardiomyopathy (Herman DS et al. N. Engl. J. Med., 2012 Feb;366:619-28; Roberts AM et al. Sci Transl Med, 2015 Jan;7:270ra6). TTN truncating variants encoded in constitutive exons (PSI >90%) have been found to be significantly associated with DCM regardless of their position in titin (Schafer S et al. Nat. Genet., 2017 01;49:46-53; Akhtar MM et al. Circ Heart Fail, 2020 Oct;13:e006832; Massier M et al. Clin Genet, 2025 Jan). Based on the majority of available evidence to date, this variant is likely to be pathogenic.

Labcorp Genetics (formerly Invitae), Labcorp
Classification: Likely pathogenic for Dilated cardiomyopathy 1G; Autosomal recessive limb-girdle muscular dystrophy type 2J. Last evaluated: 2024-04-25. Review status: criteria provided, single submitter. Criteria: Invitae Variant Classification Sherloc (09022015). Collection method: clinical testing. Allele origin: germline.
Comment: This sequence change creates a premature translational stop signal (p.Ser22637Tyrfs*19) in the TTN gene. While this is not anticipated to result in nonsense mediated decay, it is expected to create a truncated TTN protein. This variant is not present in population databases (gnomAD no frequency). This premature translational stop signal has been observed in individual(s) with dilated cardiomyopathy (Invitae). This variant is located in the A band of TTN (PMID: 25589632). Truncating variants in this region are significantly overrepresented in patients affected with dilated cardiomyopathy (PMID: 25589632). Truncating variants in this region have also been reported in individuals affected with autosomal recessive centronuclear myopathy (PMID: 23975875). In summary, the currently available evidence indicates that the variant is pathogenic, but additional data are needed to prove that conclusively. Therefore, this variant has been classified as Likely Pathogenic.

CHEO Genetics Diagnostic Laboratory, Children's Hospital of Eastern Ontario
Classification: Likely pathogenic for Cardiomyopathy. Last evaluated: 2022-11-15. Review status: criteria provided, single submitter. Criteria: ACMG Guidelines, 2015. Collection method: clinical testing. Allele origin: germline.

Literature cited by the submitters: PubMed 25589632 (cited by Labcorp Genetics (formerly Invitae), Labcorp); PubMed 23975875 (cited by Labcorp Genetics (formerly Invitae), Labcorp).

NM_001267550.2(TTN):c.67906_67909dup (p.Ser22637fs)

Genes: TTN (titin; minus strand), TTN-AS1 (TTN antisense RNA 1; plus strand), LOC126806423 (CDK7 strongly-dependent group 2 enhancer GRCh37_chr2:179443309-179444508; plus strand). Cytogenetic location: 2q31.2.
Variant type: Duplication.
Coding change: c.67906_67909dup on transcript NM_001267550.2 (MANE Select); coding-DNA positions 67906 to 67909, 4 bases duplicated (ATCT; older notation c.67906_67909dupATCT).
Protein change: p.Ser22637fs; shifts the reading frame from serine 22637.
Molecular consequence: frameshift variant.
Genome position (GRCh38, 1-based): chr2:178,579,121-178,579,124, AGAT duplicated on the plus strand (ATCT on the coding strand, the reverse complement: TTN is on the minus strand); duplicating any 4 consecutive bases within chr2:178,579,121-178,579,126 gives the same sequence; the c. name uses the placement nearest the transcript's 3' end. VCF-style (leftmost placement, unchanged base first): chr2-178579120-G-GAGAT. GRCh37 (hg19) VCF-style: chr2-179443847-G-GAGAT.
Other names: c.62983_62986dup, p.Ser20996fs (NM_001256850.1); c.40711_40714dup, p.Ser13572fs (NM_003319.4); c.60202_60205dup, p.Ser20069fs (NM_133378.4); c.41086_41089dup, p.Ser13697fs (NM_133432.3); c.41287_41290dup, p.Ser13764fs (NM_133437.4); c.40711_40714dupATCT (NM_003319.4); short protein forms S13572fs, S13697fs, S13764fs, S20069fs, S20996fs, S22637fs.
Identifiers: ClinVar variation 2691100 (VCV002691100.5), dbSNP rs2468869047, ClinGen allele CA2662129531.